The following is an entry in ClinVar:

ClinVar aggregate classification (germline): Uncertain significance (1 of 4 stars; one submission).

Conditions:
Inborn genetic diseases. Identifiers: MedGen C0950123, MeSH D030342.

Submission:

Ambry Genetics
Classification: Uncertain significance for Inborn genetic diseases. Last evaluated: 2016-07-18. Review status: criteria provided, single submitter. Criteria: Ambry Variant Classification Scheme 2023. Collection method: clinical testing. Allele origin: germline.
Comment: The p.M671I variant (also known as c.2013G>A), located in coding exon 10 of the AP4B1 gene, results from a G to A substitution at nucleotide position 2013. The methionine at codon 671 is replaced by isoleucine, an amino acid with highly similar properties. This variant was not reported in population based cohorts in the following databases: Database of Single Nucleotide Polymorphisms (dbSNP), NHLBI Exome Sequencing Project (ESP), and 1000 Genomes Project. In the ESP, this variant was not observed in 6503 samples (13006 alleles) with coverage at this position. This amino acid position is not well conserved in available vertebrate species. In addition, this alteration is predicted to be tolerated by in silico analysis. Since supporting evidence is limited at this time, the clinical significance of this variant remains unclear.

NM_001253852.3(AP4B1):c.2013G>A (p.Met671Ile)

Genes: AP4B1 (adaptor related protein complex 4 subunit beta 1; minus strand), AP4B1-AS1 (AP4B1 antisense RNA 1; plus strand). Cytogenetic location: 1p13.2.
Variant type: single nucleotide variant.
Coding change: c.2013G>A on transcript NM_001253852.3 (MANE Select); coding-DNA position 2013, G replaced by A.
Protein change: p.Met671Ile; replaces methionine 671 with isoleucine.
Molecular consequence: missense variant.
Genome position (GRCh38, 1-based): chr1:113,895,272, C>T on the plus strand (G>A on the coding strand, the complement: AP4B1 is on the minus strand). VCF-style: chr1-113895272-C-T. GRCh37 (hg19) VCF-style: chr1-114437894-C-T.
Other names: c.1716G>A, p.Met572Ile (NM_001253853.3); c.1509G>A, p.Met503Ile (NM_001308312.2); c.2013G>A, p.Met671Ile (NM_006594.5); short protein forms M671I, M503I, M572I.
Identifiers: ClinVar variation 589338 (VCV000589338.5), dbSNP rs1558076799, ClinGen allele CA341706461.